The following is an entry in ClinVar:

ClinVar aggregate classification (germline): Pathogenic (1 of 4 stars; one submission).

Conditions:
Neurofibromatosis, type 1 (NF1). Also called: Peripheral type neurofibromatosis; VON RECKLINGHAUSEN DISEASE; NEUROFIBROMATOSIS, TYPE I, SOMATIC; Neurofibromatosis, type I. Identifiers: Orphanet 636, MedGen C0027831, MONDO:0018975, OMIM 162200. Disease mechanism: loss of function.

Submission:

Labcorp Genetics (formerly Invitae), Labcorp
Classification: Pathogenic for Neurofibromatosis, type 1. Last evaluated: 2021-02-16. Review status: criteria provided, single submitter. Criteria: Invitae Variant Classification Sherloc (09022015). Collection method: clinical testing. Allele origin: germline.
Comment: For these reasons, this variant has been classified as Pathogenic. This sequence change creates a premature translational stop signal (p.Val7Aspfs*16) in the NF1 gene. It is expected to result in an absent or disrupted protein product. Loss-of-function variants in NF1 are known to be pathogenic (PMID: 10712197, 23913538). The frequency data for this variant in the population databases is considered unreliable, as metrics indicate insufficient coverage at this position in the ExAC database. This variant has not been reported in the literature in individuals with NF1-related conditions.

Literature cited by the submitters: PubMed 10712197; PubMed 23913538.

NM_001042492.3(NF1):c.20_23del (p.Val7fs)

Genes: MIR4733HG (MIR4733 host gene; minus strand), NF1 (neurofibromin 1; plus strand), LOC111811965 (NF1 (neurofibromin 1) promoter region; plus strand). Cytogenetic location: 17q11.2.
Variant type: Deletion.
Coding change: c.20_23del on transcript NM_001042492.3 (MANE Select); coding-DNA positions 20 to 23, 4 bases deleted (TGGA; older notation c.20_23delTGGA).
Protein change: p.Val7fs; shifts the reading frame from valine 7.
Molecular consequence: frameshift variant. On other transcripts: non-coding transcript variant (1).
Genome position (GRCh38, 1-based): chr17:31,095,329-31,095,332, TGGA deleted. VCF-style (leftmost placement, unchanged base first): chr17-31095328-GTGGA-G. GRCh37 (hg19) VCF-style: chr17-29422346-GTGGA-G.
Other names: c.20_23delTGGA, p.Val7Aspfs (NM_000267.4); c.20_23del, p.Val7fs (NM_001128147.3); short protein forms V7fs.
Identifiers: ClinVar variation 1434886 (VCV001434886.6), dbSNP rs2143144854, ClinGen allele CA2573153207.